The following is an entry in ClinVar:

ClinVar aggregate classification (germline): Pathogenic. Review status: no assertion criteria provided (0 of 4 stars). 2 submissions from 2 submitters: Pathogenic (2). Last evaluated 2021-07-01.

Conditions:
Gastric cancer. Also called: Stomach cancer; Malignant tumor of stomach. Identifiers: MedGen C0024623, MeSH D013274, MONDO:0001056, OMIM 613659, HP:0012126.

Submissions (2):

Laboratory for Genotyping Development, RIKEN
Classification: Pathogenic for Gastric cancer. Last evaluated: 2021-07-01. Review status: no assertion criteria provided. Collection method: research. Allele origin: germline.

Leiden Open Variation Database
Classification: Pathogenic. Last evaluated: 2019-08-13. Review status: no assertion criteria provided. Collection method: curation. Allele origin: germline. Affected: yes.
Comment: Curator: Arleen D. Auerbach. Submitter to LOVD: Yukihide Momozawa.

Literature cited by the submitters: PubMed 36988593 (cited by Laboratory for Genotyping Development, RIKEN); PubMed 31214711 (cited by Leiden Open Variation Database).

NM_032043.3(BRIP1):c.1774del (p.Trp592fs)

Gene: BRIP1 (BRCA1 interacting DNA helicase 1; minus strand). Cytogenetic location: 17q23.2.
Variant type: Deletion.
Coding change: c.1774del on transcript NM_032043.3 (MANE Select); coding-DNA position 1774, one base deleted (T; older notation c.1774delT).
Protein change: p.Trp592fs; shifts the reading frame from tryptophan 592.
Molecular consequence: frameshift variant.
Genome position (GRCh38, 1-based): chr17:61,780,860, A deleted on the plus strand (T on the coding strand, the reverse complement: BRIP1 is on the minus strand); the first of 4 consecutive A bases (chr17:61,780,860-61,780,863); deleting any one gives the same sequence. VCF-style (leftmost placement, unchanged base first): chr17-61780859-CA-C. GRCh37 (hg19) VCF-style: chr17-59858220-CA-C.
Other names: short protein forms W592fs.
Identifiers: ClinVar variation 929546 (VCV000929546.22), dbSNP rs2077606796, ClinGen allele CA1139665781.
Genomic context (GRCh38, chr17:61,780,859, plus strand): 5'-TGAGCAAGAAGACAAAATTTCCATTTACATGATGAGCTTACCACAGCTGGATTTAAGCAC[CA>C]AAAGTTTAGCACATGAACTGCAGTTTTCTGTCGTGAACGTTTCTTATTTTTTGGTAGAAC-3'